The following is an entry in ClinVar:

ClinVar aggregate classification (germline): Uncertain significance. Review status: criteria provided, multiple submitters, no conflicts (2 of 4 stars). 2 submissions from 2 submitters: Uncertain significance (2). Last evaluated 2024-03-25.

Conditions:
Inborn genetic diseases. Identifiers: MedGen C0950123, MeSH D030342.

Allele frequency attached by ClinVar (database versions not stated): ExAC 0.00003; 1000 Genomes Project 0.00020; 1000 Genomes Project 30x 0.00031.

Submissions (2):

Ambry Genetics
Classification: Uncertain significance for Inborn genetic diseases. Last evaluated: 2024-03-25. Review status: criteria provided, single submitter. Criteria: Ambry Variant Classification Scheme 2023. Collection method: clinical testing. Allele origin: germline.

Labcorp Genetics (formerly Invitae), Labcorp
Classification: Uncertain significance. Last evaluated: 2022-05-29. Review status: criteria provided, single submitter. Criteria: Invitae Variant Classification Sherloc (09022015). Collection method: clinical testing. Allele origin: germline.
Comment: This sequence change replaces serine, which is neutral and polar, with phenylalanine, which is neutral and non-polar, at codon 50 of the IFT74 protein (p.Ser50Phe). This variant is present in population databases (rs546127878, gnomAD 0.02%). This variant has not been reported in the literature in individuals affected with IFT74-related conditions. Algorithms developed to predict the effect of missense changes on protein structure and function are either unavailable or do not agree on the potential impact of this missense change (SIFT: "Deleterious"; PolyPhen-2: "Possibly Damaging"; Align-GVGD: "Class C15"). In summary, the available evidence is currently insufficient to determine the role of this variant in disease. Therefore, it has been classified as a Variant of Uncertain Significance.

NM_025103.4(IFT74):c.149C>T (p.Ser50Phe)

Gene: IFT74 (intraflagellar transport 74; plus strand). Cytogenetic location: 9p21.2.
Variant type: single nucleotide variant.
Coding change: c.149C>T on transcript NM_025103.4 (MANE Select); coding-DNA position 149, C replaced by T.
Protein change: p.Ser50Phe; replaces serine 50 with phenylalanine.
Molecular consequence: missense variant.
Genome position (GRCh38, 1-based): chr9:26,978,156, C>T. VCF-style: chr9-26978156-C-T. GRCh37 (hg19) VCF-style: chr9-26978154-C-T.
Other names: c.149C>T, p.Ser50Phe (NM_001099222.3, NM_001099223.3, NM_001099224.3 and 1 more transcripts); c.149C>T (NM_001099222.1); short protein forms S50F.
Identifiers: ClinVar variation 1926878 (VCV001926878.3), dbSNP rs546127878, ClinGen allele CA5014830.